The following is an entry in ClinVar:

NM_001378120.1(MBD5):c.2720A>G (p.Asn907Ser)

Gene: MBD5 (methyl-CpG binding domain protein 5; plus strand). Cytogenetic location: 2q23.1.
Variant type: single nucleotide variant.
Coding change: c.2720A>G on transcript NM_001378120.1 (MANE Select); coding-DNA position 2720, A replaced by G.
Protein change: p.Asn907Ser; replaces asparagine 907 with serine.
Molecular consequence: missense variant.
Genome position (GRCh38, 1-based): chr2:148,483,311, A>G. VCF-style: chr2-148483311-A-G. GRCh37 (hg19) VCF-style: chr2-149240880-A-G.
Other names: c.2720A>G, p.Asn907Ser (NM_018328.5); short protein forms N907S.
Identifiers: ClinVar variation 1439203 (VCV001439203.8), dbSNP rs2105073027, ClinGen allele CA348722557.

ClinVar aggregate classification (germline): Uncertain significance (1 of 4 stars; one submission).

Conditions:
Intellectual developmental disorder, autosomal dominant 1. Also called: Intellectual disability, autosomal dominant 1; MBD5 Haploinsufficiency. Identifiers: Orphanet 228402, MedGen C1969562, MONDO:0007974, OMIM 156200.

Submission:

Labcorp Genetics (formerly Invitae), Labcorp
Classification: Uncertain significance for Intellectual developmental disorder, autosomal dominant 1. Last evaluated: 2021-02-01. Review status: criteria provided, single submitter. Criteria: Invitae Variant Classification Sherloc (09022015). Collection method: clinical testing. Allele origin: germline.
Comment: This sequence change replaces asparagine with serine at codon 907 of the MBD5 protein (p.Asn907Ser). The asparagine residue is highly conserved and there is a small physicochemical difference between asparagine and serine. This variant is not present in population databases (ExAC no frequency). This variant has not been reported in the literature in individuals with MBD5-related conditions. Algorithms developed to predict the effect of missense changes on protein structure and function are either unavailable or do not agree on the potential impact of this missense change (SIFT: "Deleterious"; PolyPhen-2: "Not Available"; Align-GVGD: "Class C0"). In summary, the available evidence is currently insufficient to determine the role of this variant in disease. Therefore, it has been classified as a Variant of Uncertain Significance.